The following is an entry in ClinVar:

ClinVar aggregate classification (germline): Uncertain significance (1 of 4 stars; one submission).

Submission:

GeneDx
Classification: Uncertain significance. Last evaluated: 2023-07-11. Review status: criteria provided, single submitter. Criteria: GeneDx Variant Classification Process June 2021. Collection method: clinical testing. Allele origin: germline. Affected: yes.
Comment: Has not been previously published as pathogenic or benign to our knowledge; Not observed at significant frequency in large population cohorts (gnomAD); In silico analysis supports that this missense variant has a deleterious effect on protein structure/function

NM_001308093.3(GATA4):c.593C>G (p.Pro198Arg)

Gene: GATA4 (GATA binding protein 4). Cytogenetic location: 8p23.1.
Variant type: single nucleotide variant.
Coding change: c.593C>G on transcript NM_001308093.3 (MANE Select); coding-DNA position 593, C replaced by G.
Protein change: p.Pro198Arg; replaces proline 198 with arginine.
Molecular consequence: missense variant. On other transcripts: intron variant (3).
Genome position (GRCh38, 1-based): chr8:11,708,905, C>G. VCF-style: chr8-11708905-C-G. GRCh37 (hg19) VCF-style: chr8-11566414-C-G.
Other names: c.593C>G, p.Pro198Arg (NM_002052.5); c.-6+8127C>G (NM_001308094.2); c.-3+891C>G (NM_001374274.1); c.-3+4601C>G (NM_001374273.1); short protein forms P198R.
Identifiers: ClinVar variation 3361005 (VCV003361005.1).